The following is an entry in ClinVar:

NM_001927.4(DES):c.*51C>A

Gene: DES (desmin; plus strand). Cytogenetic location: 2q35.
Variant type: single nucleotide variant.
Coding change: c.*51C>A on transcript NM_001927.4 (MANE Select); 51 bases downstream of the stop codon, C replaced by A.
Molecular consequence: 3 prime UTR variant.
Genome position (GRCh38, 1-based): chr2:219,426,041, C>A. VCF-style: chr2-219426041-C-A. GRCh37 (hg19) VCF-style: chr2-220290763-C-A.
Identifiers: ClinVar variation 898564 (VCV000898564.5), dbSNP rs372291142, ClinGen allele CA2125328.

ClinVar aggregate classification (germline): Conflicting classifications of pathogenicity. Review status: criteria provided, conflicting classifications (1 of 4 stars). 3 submissions from 1 submitter: Uncertain significance (1); Likely benign (2). Last evaluated 2017-04-27.

Conditions:
Desmin-related myofibrillar myopathy (MFM1). Also called: Desminopathy; Desmin related myopathy (former name); Desmin storage myopathy (former name); MYOFIBRILLAR MYOPATHY WITH ARRHYTHMOGENIC RIGHT VENTRICULAR CARDIOMYOPATHY; DESMIN-RELATED MYOPATHY WITH ARRHYTHMOGENIC RIGHT VENTRICULAR CARDIOMYOPATHY; Myofibrillar myopathy 1. Identifiers: Orphanet 363543, Orphanet 98909, MedGen C1832370, MONDO:0011076, OMIM 601419.
Neurogenic scapuloperoneal syndrome, Kaeser type (SCPNK). Also called: KAESER SYNDROME. Identifiers: Orphanet 85146, MedGen C1867005, MONDO:0008407, OMIM 181400.
Dilated cardiomyopathy 1I (CMD1I). Identifiers: Orphanet 154, MedGen C1858154, MONDO:0011482, OMIM 604765.

Allele frequency attached by ClinVar (database versions not stated): ExAC 0.00013; gnomAD 0.00013; TOPMed 0.00013; gnomAD exomes 0.00014 and 0.00027; ESP Exome Variant Server 0.00023.
gnomAD v4.1: 411 of 1,602,076 alleles (0.026%); highest among the groups gnomAD compares: Middle Eastern, 0.049%; no homozygotes.

Submissions (3):

Illumina Laboratory Services, Illumina
Classification: Likely benign for Dilated cardiomyopathy 1I. Last evaluated: 2017-04-27. Review status: criteria provided, single submitter. Criteria: ICSL Variant Classification Criteria 13 December 2019. Collection method: clinical testing. Allele origin: germline.
Comment: This variant was observed as part of a predisposition screen in an ostensibly healthy population. A literature search was performed for the gene, cDNA change, and amino acid change (where applicable). No publications were found based on this search. Allele frequency data from public databases allowed determination this variant is unlikely to cause disease. Therefore, this variant is classified as likely benign.

Illumina Laboratory Services, Illumina
Classification: Likely benign for Neurogenic scapuloperoneal syndrome, Kaeser type. Last evaluated: 2017-04-27. Review status: criteria provided, single submitter. Criteria: ICSL Variant Classification Criteria 13 December 2019. Collection method: clinical testing. Allele origin: germline.
Comment: the same text as in the submission from Illumina Laboratory Services, Illumina above.

Illumina Laboratory Services, Illumina
Classification: Uncertain significance for Desmin-related myofibrillar myopathy. Last evaluated: 2017-04-27. Review status: criteria provided, single submitter. Criteria: ICSL Variant Classification Criteria 13 December 2019. Collection method: clinical testing. Allele origin: germline.